The following is an entry in ClinVar:

ClinVar aggregate classification (germline): Uncertain significance (1 of 4 stars; one submission).

gnomAD v4.1: 1 of 1,613,532 alleles (0.000062%); highest among the groups gnomAD compares: Non-Finnish European, 0.000085%; no homozygotes.

Submission:

CeGaT Center for Human Genetics Tuebingen
Classification: Uncertain significance. Last evaluated: 2023-03-01. Review status: criteria provided, single submitter. Criteria: CeGaT Center For Human Genetics Tuebingen Variant Classification Criteria Version 2. Collection method: clinical testing. Allele origin: germline. Affected: yes. Observed: 1 variant allele.
Comment: VPS13A: PM2, BP1

NM_033305.3(VPS13A):c.5944G>C (p.Asp1982His)

Gene: VPS13A (vacuolar protein sorting 13 homolog A; plus strand). Cytogenetic location: 9q21.2.
Variant type: single nucleotide variant.
Coding change: c.5944G>C on transcript NM_033305.3 (MANE Select); coding-DNA position 5944, G replaced by C.
Protein change: p.Asp1982His; replaces aspartic acid 1982 with histidine.
Molecular consequence: missense variant.
Genome position (GRCh38, 1-based): chr9:77,323,180, G>C. VCF-style: chr9-77323180-G-C. GRCh37 (hg19) VCF-style: chr9-79938096-G-C.
Other names: c.5827G>C, p.Asp1943His (NM_001018037.2); c.5944G>C, p.Asp1982His (NM_001018038.3, NM_015186.4); short protein forms D1943H, D1982H.
Identifiers: ClinVar variation 2499093 (VCV002499093.28), dbSNP rs2538015700, ClinGen allele CA373865487.